The following is an entry in ClinVar:

ClinVar aggregate classification (germline): Uncertain significance (1 of 4 stars; one submission).

Submission:

GeneDx
Classification: Uncertain significance. Last evaluated: 2023-08-03. Review status: criteria provided, single submitter. Criteria: GeneDx Variant Classification Process June 2021. Collection method: clinical testing. Allele origin: germline. Affected: yes.
Comment: Not observed at significant frequency in large population cohorts (gnomAD); Frameshift variant predicted to result in protein truncation as the last 6 amino acids are replaced with 48 different amino acids, although loss-of-function variants have not been reported downstream of this position in the protein; Has not been previously published as pathogenic or benign to our knowledge

NM_006796.3(AFG3L2):c.2375del (p.Gly792fs)

Genes: AFG3L2 (AFG3 like matrix AAA peptidase subunit 2; minus strand), TUBB6 (tubulin beta 6 class V; plus strand). Cytogenetic location: 18p11.21.
Variant type: Deletion.
Coding change: c.2375del on transcript NM_006796.3 (MANE Select); coding-DNA position 2375, one base deleted (G; older notation c.2375delG).
Protein change: p.Gly792fs; shifts the reading frame from glycine 792.
Molecular consequence: frameshift variant. On other transcripts: 3 prime UTR variant (1).
Genome position (GRCh38, 1-based): chr18:12,329,584, C deleted on the plus strand (G on the coding strand, the reverse complement: AFG3L2 is on the minus strand); the first of 3 consecutive C bases (chr18:12,329,584-12,329,586); deleting any one gives the same sequence. VCF-style (leftmost placement, unchanged base first): chr18-12329583-AC-A. GRCh37 (hg19) VCF-style: chr18-12329582-AC-A.
Other names: c.2373delG, p.Gly792Valfs (NM_006796.2); c.*403del (NM_001303525.2); short protein forms G792fs.
Identifiers: ClinVar variation 3253173 (VCV003253173.1), dbSNP rs1907449398.
Genomic context (GRCh38, chr18:12,329,583, plus strand): 5'-GAAACCACAGTGGACAGACTGAGATGGCCTCCCTCTGGGCCTCTAGTTGGCAACTTTCTC[AC>A]CCGGGGGCTCCTCTTTCTCCTTTTCCCGCTCCTTGTTCCAGTCCTTAAGGCCTTCTGGAA-3'